The following is an entry in ClinVar:

ClinVar aggregate classification (germline): Benign. Review status: criteria provided, multiple submitters, no conflicts (2 of 4 stars). 2 submissions from 2 submitters: Benign (2). Last evaluated 2018-06-14.

Allele frequency attached by ClinVar (database versions not stated): 1000 Genomes Project 30x 0.09307; 1000 Genomes Project 0.09525; TOPMed 0.10215; ESP Exome Variant Server 0.10249; gnomAD 0.10826 and 0.10949; gnomAD exomes 0.12077 and 0.13465; ExAC 0.12695.
gnomAD v4.1: 208,285 of 1,581,486 alleles (13%); highest among the groups gnomAD compares: South Asian, 15%; 14,482 homozygotes.

Submissions (2):

GeneDx
Classification: Benign. Last evaluated: 2018-06-14. Review status: criteria provided, single submitter. Criteria: GeneDx Variant Classification (06012015). Collection method: clinical testing. Allele origin: germline. Affected: yes.
Comment: This variant is considered likely benign or benign based on one or more of the following criteria: it is a conservative change, it occurs at a poorly conserved position in the protein, it is predicted to be benign by multiple in silico algorithms, and/or has population frequency not consistent with disease.

Breakthrough Genomics
Classification: Benign. Review status: criteria provided, single submitter. Criteria: ACMG Guidelines, 2015. Collection method: not provided. Allele origin: germline. Inheritance: Autosomal recessive inheritance. Affected: yes.

NM_006767.4(LZTR1):c.2220-38A>G

Gene: LZTR1 (leucine zipper like post translational regulator 1; plus strand). Cytogenetic location: 22q11.21.
Variant type: single nucleotide variant.
Coding change: c.2220-38A>G on transcript NM_006767.4 (MANE Select); 38 bases into the intron before coding-DNA position 2220, A replaced by G.
Molecular consequence: intron variant.
Genome position (GRCh38, 1-based): chr22:20,996,658, A>G. VCF-style: chr22-20996658-A-G. GRCh37 (hg19) VCF-style: chr22-21350947-A-G.
Identifiers: ClinVar variation 561422 (VCV000561422.2), dbSNP rs12484759, ClinGen allele CA10119300.